The following is an entry in ClinVar:

NM_032776.3(JMJD1C):c.7303C>G (p.Leu2435Val)

Gene: JMJD1C (jumonji domain containing 1C; minus strand). Cytogenetic location: 10q21.3.
Variant type: single nucleotide variant.
Coding change: c.7303C>G on transcript NM_032776.3 (MANE Select); coding-DNA position 7303, C replaced by G.
Protein change: p.Leu2435Val; replaces leucine 2435 with valine.
Molecular consequence: missense variant. On other transcripts: non-coding transcript variant (1).
Genome position (GRCh38, 1-based): chr10:63,176,395, G>C on the plus strand (C>G on the coding strand, the complement: JMJD1C is on the minus strand). VCF-style: chr10-63176395-G-C. GRCh37 (hg19) VCF-style: chr10-64936155-G-C.
Other names: c.6757C>G, p.Leu2253Val (NM_001282948.2, NM_001318154.2); c.6439C>G, p.Leu2147Val (NM_001318153.2); c.7189C>G, p.Leu2397Val (NM_001322252.2); c.6646C>G, p.Leu2216Val (NM_001322254.2, NM_001322258.2); short protein forms L2147V, L2216V, L2397V, L2253V, L2435V.
Identifiers: ClinVar variation 4741510 (VCV004741510.1).

ClinVar aggregate classification (germline): Uncertain significance (1 of 4 stars; one submission).

Conditions:
Early Myoclonic Encephalopathy. Identifiers: MedGen C0270855.

Submission:

Labcorp Genetics (formerly Invitae), Labcorp
Classification: Uncertain significance for Early Myoclonic Encephalopathy. Last evaluated: 2025-07-02. Review status: criteria provided, single submitter. Criteria: Invitae Variant Classification Sherloc (09022015). Collection method: clinical testing. Allele origin: germline.
Comment: This sequence change replaces leucine, which is neutral and non-polar, with valine, which is neutral and non-polar, at codon 2435 of the JMJD1C protein (p.Leu2435Val). This variant is not present in population databases (gnomAD no frequency). This variant has not been reported in the literature in individuals affected with JMJD1C-related conditions. Invitae Evidence Modeling of protein sequence and biophysical properties (such as structural, functional, and spatial information, amino acid conservation, physicochemical variation, residue mobility, and thermodynamic stability) indicates that this missense variant is expected to disrupt JMJD1C protein function with a positive predictive value of 80%. In summary, the available evidence is currently insufficient to determine the role of this variant in disease. Therefore, it has been classified as a Variant of Uncertain Significance.